The following is an entry in ClinVar:

ClinVar aggregate classification (germline): Uncertain significance (1 of 4 stars; one submission).

Submission:

Women's Health and Genetics/Laboratory Corporation of America, LabCorp
Classification: Uncertain significance. Last evaluated: 2024-02-26. Review status: criteria provided, single submitter. Criteria: LabCorp Variant Classification Summary - May 2015. Collection method: clinical testing. Allele origin: germline.
Comment: Variant summary: SUMF1 c.1062delT (p.Asp355IlefsX75) causes a frameshift in the last exon which results in an extension of the protein. The variant was absent in 249066 control chromosomes. To our knowledge, no occurrence of c.1062delT in individuals affected with Multiple Sulfatase Deficiency and no experimental evidence demonstrating its impact on protein function have been reported. No submitters have cited clinical-significance assessments for this variant to ClinVar. Based on the evidence outlined above, the variant was classified as uncertain significance.

NM_182760.4(SUMF1):c.1062del (p.Asp355fs)

Gene: SUMF1 (sulfatase modifying factor 1; minus strand). Cytogenetic location: 3p26.1.
Variant type: Deletion.
Coding change: c.1062del on transcript NM_182760.4 (MANE Select); coding-DNA position 1062, one base deleted (T; older notation c.1062delT).
Protein change: p.Asp355fs; shifts the reading frame from aspartic acid 355.
Molecular consequence: frameshift variant.
Genome position (GRCh38, 1-based): chr3:4,362,207, A deleted on the plus strand (T on the coding strand, the reverse complement: SUMF1 is on the minus strand). VCF-style (leftmost placement, unchanged base first): chr3-4362206-CA-C. GRCh37 (hg19) VCF-style: chr3-4403890-CA-C.
Other names: c.987del, p.Asp330fs (NM_001164674.2); c.1002del, p.Asp335fs (NM_001164675.2); c.1062delT (NM_182760.4); short protein forms D330fs, D335fs, D355fs.
Identifiers: ClinVar variation 3068835 (VCV003068835.2), dbSNP rs2470777989, ClinGen allele CA2825001198.